The following is an entry in ClinVar:

NM_016589.4(TIMMDC1):c.298G>A (p.Ala100Thr)

Gene: TIMMDC1 (translocase of inner mitochondrial membrane domain containing 1; plus strand). Cytogenetic location: 3q13.33.
Variant type: single nucleotide variant.
Coding change: c.298G>A on transcript NM_016589.4 (MANE Select); coding-DNA position 298, G replaced by A.
Protein change: p.Ala100Thr; replaces alanine 100 with threonine.
Molecular consequence: missense variant.
Genome position (GRCh38, 1-based): chr3:119,500,798, G>A. VCF-style: chr3-119500798-G-A. GRCh37 (hg19) VCF-style: chr3-119219645-G-A.
Other names: short protein forms A100T.
Identifiers: ClinVar variation 1919202 (VCV001919202.5), dbSNP rs2081868852, ClinGen allele CA354054998.

ClinVar aggregate classification (germline): Uncertain significance (1 of 4 stars; one submission).

Submission:

Labcorp Genetics (formerly Invitae), Labcorp
Classification: Uncertain significance. Last evaluated: 2024-01-02. Review status: criteria provided, single submitter. Criteria: Invitae Variant Classification Sherloc (09022015). Collection method: clinical testing. Allele origin: germline.
Comment: This sequence change replaces alanine, which is neutral and non-polar, with threonine, which is neutral and polar, at codon 100 of the TIMMDC1 protein (p.Ala100Thr). This variant is not present in population databases (gnomAD no frequency). This variant has not been reported in the literature in individuals affected with TIMMDC1-related conditions. ClinVar contains an entry for this variant (Variation ID: 1919202). Advanced modeling of protein sequence and biophysical properties (such as structural, functional, and spatial information, amino acid conservation, physicochemical variation, residue mobility, and thermodynamic stability) performed at Invitae indicates that this missense variant is not expected to disrupt TIMMDC1 protein function with a negative predictive value of 80%. In summary, the available evidence is currently insufficient to determine the role of this variant in disease. Therefore, it has been classified as a Variant of Uncertain Significance.